The following is an entry in ClinVar:

ClinVar aggregate classification (germline): Uncertain significance. Review status: criteria provided, multiple submitters, no conflicts (2 of 4 stars). 3 submissions from 3 submitters: Uncertain significance (3). Last evaluated 2025-12-21.

Conditions:
Inborn genetic diseases. Identifiers: MedGen C0950123, MeSH D030342.

Allele frequency attached by ClinVar (database versions not stated): gnomAD 0.00001; gnomAD exomes 0.00001; TOPMed 0.00001.
gnomAD v4.1: 15 of 1,613,954 alleles (0.00093%); highest among the groups gnomAD compares: Non-Finnish European, 0.0013%; no homozygotes.

Submissions (3):

Labcorp Genetics (formerly Invitae), Labcorp
Classification: Uncertain significance. Last evaluated: 2025-12-21. Review status: criteria provided, single submitter. Criteria: Invitae Variant Classification Sherloc (09022015). Collection method: clinical testing. Allele origin: germline.
Comment: This sequence change replaces asparagine, which is neutral and polar, with aspartic acid, which is acidic and polar, at codon 307 of the SMAD2 protein (p.Asn307Asp). This variant is present in population databases (no rsID available, gnomAD 0.007%). This variant has not been reported in the literature in individuals affected with SMAD2-related conditions. ClinVar contains an entry for this variant (Variation ID: 2452581). Invitae Evidence Modeling of protein sequence and biophysical properties (such as structural, functional, and spatial information, amino acid conservation, physicochemical variation, residue mobility, and thermodynamic stability) indicates that this missense variant is not expected to disrupt SMAD2 protein function with a negative predictive value of 80%. In summary, the available evidence is currently insufficient to determine the role of this variant in disease. Therefore, it has been classified as a Variant of Uncertain Significance.

GeneDx
Classification: Uncertain significance. Last evaluated: 2025-08-27. Review status: criteria provided, single submitter. Criteria: GeneDx Variant Classification Process June 2021. Collection method: clinical testing. Allele origin: germline.
Comment: Not observed at significant frequency in large population cohorts (gnomAD); In silico analysis supports that this missense variant has a deleterious effect on protein structure/function; Has not been previously published as pathogenic or benign to our knowledge

Ambry Genetics
Classification: Uncertain significance for Inborn genetic diseases. Last evaluated: 2022-11-19. Review status: criteria provided, single submitter. Criteria: Ambry Variant Classification Scheme 2023. Collection method: clinical testing. Allele origin: germline.
Comment: The p.N307D variant (also known as c.919A>G), located in coding exon 7 of the SMAD2 gene, results from an A to G substitution at nucleotide position 919. The asparagine at codon 307 is replaced by aspartic acid, an amino acid with highly similar properties. This amino acid position is conserved. In addition, the in silico prediction for this alteration is inconclusive. Since supporting evidence is limited at this time, the clinical significance of this alteration remains unclear.

NM_005901.6(SMAD2):c.919A>G (p.Asn307Asp)

Gene: SMAD2 (SMAD family member 2; minus strand). Cytogenetic location: 18q21.1.
Variant type: single nucleotide variant.
Coding change: c.919A>G on transcript NM_005901.6 (MANE Select); coding-DNA position 919, A replaced by G.
Protein change: p.Asn307Asp; replaces asparagine 307 with aspartic acid.
Molecular consequence: missense variant.
Genome position (GRCh38, 1-based): chr18:47,848,553, T>C on the plus strand (A>G on the coding strand, the complement: SMAD2 is on the minus strand). VCF-style: chr18-47848553-T-C. GRCh37 (hg19) VCF-style: chr18-45374924-T-C.
Other names: c.919A>G (NM_005901.5); c.919A>G, p.Asn307Asp (NM_001003652.4); c.829A>G, p.Asn277Asp (NM_001135937.3); short protein forms N277D, N307D.
Identifiers: ClinVar variation 2452581 (VCV002452581.7), dbSNP rs1401377883, ClinGen allele CA402504408.